The following is an entry in ClinVar:

NM_001987.5(ETV6):c.985G>T (p.Ala329Ser)

Gene: ETV6 (ETS variant transcription factor 6; plus strand). Cytogenetic location: 12p13.2.
Variant type: single nucleotide variant.
Coding change: c.985G>T on transcript NM_001987.5 (MANE Select); coding-DNA position 985, G replaced by T.
Protein change: p.Ala329Ser; replaces alanine 329 with serine.
Molecular consequence: missense variant.
Genome position (GRCh38, 1-based): chr12:11,869,945, G>T. VCF-style: chr12-11869945-G-T. GRCh37 (hg19) VCF-style: chr12-12022879-G-T.
Other names: c.982G>T, p.Ala328Ser (NM_001413913.1); c.958G>T, p.Ala320Ser (NM_001413914.1); c.721G>T, p.Ala241Ser (NM_001413915.1); c.985G>T, p.Ala329Ser (NM_001413916.1, NM_001413917.1); short protein forms A320S, A328S, A329S, A241S.
Identifiers: ClinVar variation 5036198 (VCV005036198.1).

ClinVar aggregate classification (germline): Uncertain significance (1 of 4 stars; one submission).

Conditions:
Inborn genetic diseases. Identifiers: MedGen C0950123, MeSH D030342.

Submission:

Ambry Genetics
Classification: Uncertain significance for Inborn genetic diseases. Last evaluated: 2026-07-07. Review status: criteria provided, single submitter. Criteria: Ambry Variant Classification Scheme 2023. Collection method: clinical testing. Allele origin: germline.
Comment: The p.A329S variant (also known as c.985G>T), located in coding exon 5 of the ETV6 gene, results from a G to T substitution at nucleotide position 985. The alanine at codon 329 is replaced by serine, an amino acid with similar properties. This amino acid position is conserved. In addition, this alteration is predicted to be tolerated by in silico analysis. Based on the available evidence, the clinical significance of this variant remains unclear.